The following is an entry in ClinVar:

ClinVar aggregate classification (germline): Uncertain significance. Review status: criteria provided, multiple submitters, no conflicts (2 of 4 stars). 2 submissions from 2 submitters: Uncertain significance (2). Last evaluated 2026-01-10.

Conditions:
Cardiovascular phenotype. Identifiers: MedGen CN230736.
Dilated cardiomyopathy 1DD (CMD1DD). Identifiers: Orphanet 154, MedGen C2750995, MONDO:0013168, OMIM 613172.

Allele frequency attached by ClinVar (database versions not stated): gnomAD 0.00001; gnomAD exomes 0.00001; TOPMed 0.00001.
gnomAD v4.1: 22 of 1,551,588 alleles (0.0014%); highest among the groups gnomAD compares: Non-Finnish European, 0.0018%; no homozygotes.

Submissions (2):

Labcorp Genetics (formerly Invitae), Labcorp
Classification: Uncertain significance for Dilated cardiomyopathy 1DD. Last evaluated: 2026-01-10. Review status: criteria provided, single submitter. Criteria: Invitae Variant Classification Sherloc (09022015). Collection method: clinical testing. Allele origin: germline.
Comment: This sequence change replaces phenylalanine, which is neutral and non-polar, with serine, which is neutral and polar, at codon 422 of the RBM20 protein (p.Phe422Ser). This variant is not present in population databases (gnomAD no frequency). This variant has not been reported in the literature in individuals affected with RBM20-related conditions. ClinVar contains an entry for this variant (Variation ID: 573623). Invitae Evidence Modeling of protein sequence and biophysical properties (such as structural, functional, and spatial information, amino acid conservation, physicochemical variation, residue mobility, and thermodynamic stability) indicates that this missense variant is not expected to disrupt RBM20 protein function with a negative predictive value of 95%. In summary, the available evidence is currently insufficient to determine the role of this variant in disease. Therefore, it has been classified as a Variant of Uncertain Significance.

Ambry Genetics
Classification: Uncertain significance for Cardiovascular phenotype. Last evaluated: 2025-07-13. Review status: criteria provided, single submitter. Criteria: Ambry Variant Classification Scheme 2023. Collection method: clinical testing. Allele origin: germline.
Comment: The p.F422S variant (also known as c.1265T>C), located in coding exon 2 of the RBM20 gene, results from a T to C substitution at nucleotide position 1265. The phenylalanine at codon 422 is replaced by serine, an amino acid with highly dissimilar properties. This alteration has been reported in a hypertrophic cardiomyopathy (HCM) cohort; however, clinical details were limited (Lopes LR et al. Heart, 2015 Feb;101:294-301). This amino acid position is well conserved in available vertebrate species. In addition, the in silico prediction for this alteration is inconclusive. Since supporting evidence is limited at this time, the clinical significance of this alteration remains unclear.

Literature cited by the submitters: PubMed 25351510 (cited by Ambry Genetics).

NM_001134363.3(RBM20):c.1265T>C (p.Phe422Ser)

Gene: RBM20 (RNA binding motif protein 20; plus strand). Cytogenetic location: 10q25.2.
Variant type: single nucleotide variant.
Coding change: c.1265T>C on transcript NM_001134363.3 (MANE Select); coding-DNA position 1265, T replaced by C.
Protein change: p.Phe422Ser; replaces phenylalanine 422 with serine.
Molecular consequence: missense variant.
Genome position (GRCh38, 1-based): chr10:110,781,874, T>C. VCF-style: chr10-110781874-T-C. GRCh37 (hg19) VCF-style: chr10-112541632-T-C.
Other names: short protein forms F422S.
Identifiers: ClinVar variation 573623 (VCV000573623.11), dbSNP rs932538273, ClinGen allele CA213235193.